The following is an entry in ClinVar:

NM_006648.4(WNK2):c.223G>C (p.Val75Leu)

Gene: WNK2 (WNK lysine deficient protein kinase 2; plus strand). Cytogenetic location: 9q22.31.
Variant type: single nucleotide variant.
Coding change: c.223G>C on transcript NM_006648.4 (MANE Select); coding-DNA position 223, G replaced by C.
Protein change: p.Val75Leu; replaces valine 75 with leucine.
Molecular consequence: missense variant.
Genome position (GRCh38, 1-based): chr9:93,185,152, G>C. VCF-style: chr9-93185152-G-C. GRCh37 (hg19) VCF-style: chr9-95947434-G-C.
Other names: c.223G>C, p.Val75Leu (NM_001282394.3); short protein forms V75L.
Identifiers: ClinVar variation 4826245 (VCV004826245.1).
Genomic context (GRCh38, chr9:93,185,152, plus strand): 5'-CCGGGCTTGGAGGCAGCCGAGGCGCCGGGCCCGCAGCCCCCGCAGCCCCTGCAGCGCCGG[G>C]TGCTTCTGCTCTGCAAGACGCGCCGCCTCATCGCGGAGCGCGCCCGCGGACGCCCCGCCG-3'
Protein context (NP_006639.3, residues 65-85): PQPPQPLQRR[Val75Leu]LLLCKTRRLI

ClinVar aggregate classification (germline): Uncertain significance (1 of 4 stars; one submission).

Submission:

Ambry Genetics
Classification: Uncertain significance. Last evaluated: 2026-03-08. Review status: criteria provided, single submitter. Criteria: Ambry Variant Classification Scheme 2023. Collection method: clinical testing. Allele origin: germline.
Comment: The p.V75L variant (also known as c.223G>C), located in coding exon 1 of the WNK2 gene, results from a G to C substitution at nucleotide position 223. The valine at codon 75 is replaced by leucine, an amino acid with highly similar properties. This amino acid position is conserved. In addition, this alteration is predicted to be tolerated by in silico analysis. Based on the available evidence, the clinical significance of this variant remains unclear.